The following is an entry in ClinVar:

ClinVar aggregate classification (germline): Uncertain significance (1 of 4 stars; one submission).

Conditions:
DICER1-related tumor predisposition. Also called: DICER1-related pleuropulmonary blastoma cancer predisposition syndrome; DICER1 syndrome. Identifiers: Orphanet 284343, MedGen C3839822, MONDO:0100216.

Submission:

Labcorp Genetics (formerly Invitae), Labcorp
Classification: Uncertain significance for DICER1-related tumor predisposition. Last evaluated: 2023-04-12. Review status: criteria provided, single submitter. Criteria: Invitae Variant Classification Sherloc (09022015). Collection method: clinical testing. Allele origin: germline.
Comment: This sequence change replaces glutamic acid, which is acidic and polar, with glycine, which is neutral and non-polar, at codon 425 of the DICER1 protein (p.Glu425Gly). This variant is not present in population databases (gnomAD no frequency). This variant has not been reported in the literature in individuals affected with DICER1-related conditions. An algorithm developed to predict the effect of missense changes on protein structure and function (PolyPhen-2) suggests that this variant is likely to be disruptive. In summary, the available evidence is currently insufficient to determine the role of this variant in disease. Therefore, it has been classified as a Variant of Uncertain Significance.

NM_177438.3(DICER1):c.1274A>G (p.Glu425Gly)

Gene: DICER1 (dicer 1, ribonuclease III; minus strand). Cytogenetic location: 14q32.13.
Variant type: single nucleotide variant.
Coding change: c.1274A>G on transcript NM_177438.3 (MANE Select); coding-DNA position 1274, A replaced by G.
Protein change: p.Glu425Gly; replaces glutamic acid 425 with glycine.
Molecular consequence: missense variant. On other transcripts: 5 prime UTR variant (1), non-coding transcript variant (6).
Genome position (GRCh38, 1-based): chr14:95,124,298, T>C on the plus strand (A>G on the coding strand, the complement: DICER1 is on the minus strand). VCF-style: chr14-95124298-T-C. GRCh37 (hg19) VCF-style: chr14-95590635-T-C.
Other names: c.869A>G, p.Glu290Gly (NM_001395690.1, NM_001395696.1, NM_001395698.1 and 3 more transcripts); c.707A>G, p.Glu236Gly (NM_001395691.1); c.1274A>G, p.Glu425Gly (NM_001395692.1, NM_001395693.1, NM_001395699.1 and 15 more transcripts); c.-295A>G (NM_001395697.1); c.992A>G, p.Glu331Gly (NM_001395686.1); short protein forms E236G, E290G, E331G, E425G.
Identifiers: ClinVar variation 2855583 (VCV002855583.3), dbSNP rs2543174042, ClinGen allele CA390886366.